The following is an entry in ClinVar:

NM_172107.4(KCNQ2):c.1761C>T (p.Ser587=)

Gene: KCNQ2 (potassium voltage-gated channel subfamily Q member 2; minus strand). Cytogenetic location: 20q13.33.
Variant type: single nucleotide variant.
Coding change: c.1761C>T on transcript NM_172107.4 (MANE Select); coding-DNA position 1761, C replaced by T.
Protein change: p.Ser587=; no amino-acid change (serine 587 retained).
Molecular consequence: synonymous variant.
Genome position (GRCh38, 1-based): chr20:63,413,452, G>A on the plus strand (C>T on the coding strand, the complement: KCNQ2 is on the minus strand). VCF-style: chr20-63413452-G-A. GRCh37 (hg19) VCF-style: chr20-62044805-G-A.
Other names: c.1707C>T, p.Ser569= (NM_001382235.1, NM_172106.3); c.1677C>T, p.Ser559= (NM_004518.6); c.1668C>T, p.Ser556= (NM_172108.5).
Identifiers: ClinVar variation 2996749 (VCV002996749.3), dbSNP rs2516166853, ClinGen allele CA511339973.
Genomic context (GRCh38, chr20:63,413,452, plus strand): 5'-TGTCCCAGAAGCCCACCCCGTTCTTGTCCCCTGCTGGACAGGCAGGCGGGGCTCTTGCCT[G>A]GACTGCAGGCTCTTAATTCGGGACAGCATGTCCAGGTGGCCGGCTGAGTACTGCTCGATG-3'
Protein context (NP_742105.1, residues 577-597): DMLSRIKSLQ[Ser587=]RVDQIVGRGP

ClinVar aggregate classification (germline): Uncertain significance (1 of 4 stars; one submission).

Conditions:
Early-infantile DEE. Also called: Early infantile epileptic encephalopathy with suppression bursts; Ohtahara syndrome; Early infantile epileptic encephalopathy. Identifiers: Orphanet 1934, MedGen C0393706, MONDO:0800491.

Submission:

Labcorp Genetics (formerly Invitae), Labcorp
Classification: Uncertain significance for Early-infantile DEE. Last evaluated: 2025-07-09. Review status: criteria provided, single submitter. Criteria: Invitae Variant Classification Sherloc (09022015). Collection method: clinical testing. Allele origin: germline.
Comment: This sequence change affects codon 587 of the KCNQ2 mRNA. It is a 'silent' change, meaning that it does not change the encoded amino acid sequence of the KCNQ2 protein. This variant is not present in population databases (gnomAD no frequency). This variant has not been reported in the literature in individuals affected with KCNQ2-related conditions. ClinVar contains an entry for this variant (Variation ID: 2996749). Algorithms developed to predict the effect of sequence changes on RNA splicing suggest that this variant may disrupt the consensus splice site. In summary, the available evidence is currently insufficient to determine the role of this variant in disease. Therefore, it has been classified as a Variant of Uncertain Significance.